The following is an entry in ClinVar:

NM_152722.5(HEPACAM):c.139G>A (p.Val47Met)

Gene: HEPACAM (hepatic and glial cell adhesion molecule; minus strand). Cytogenetic location: 11q24.2.
Variant type: single nucleotide variant.
Coding change: c.139G>A on transcript NM_152722.5 (MANE Select); coding-DNA position 139, G replaced by A.
Protein change: p.Val47Met; replaces valine 47 with methionine.
Molecular consequence: missense variant.
Genome position (GRCh38, 1-based): chr11:124,925,016, C>T on the plus strand (G>A on the coding strand, the complement: HEPACAM is on the minus strand). VCF-style: chr11-124925016-C-T. GRCh37 (hg19) VCF-style: chr11-124794912-C-T.
Other names: short protein forms V47M.
Identifiers: ClinVar variation 931058 (VCV000931058.14), dbSNP rs149730492, ClinGen allele CA6345804.

ClinVar aggregate classification (germline): Conflicting classifications of pathogenicity. Review status: criteria provided, conflicting classifications (1 of 4 stars). 5 submissions from 5 submitters: Uncertain significance (4); Likely benign (1). Last evaluated 2025-07-17.

Conditions:
HEPACAM-related disorder. Also called: HEPACAM-related condition.
Megalencephalic leukoencephalopathy with subcortical cysts 2A. Identifiers: Orphanet 2478, MedGen C3151355, MONDO:0013490, OMIM 613925.
Inborn genetic diseases. Identifiers: MedGen C0950123, MeSH D030342.

Allele frequency attached by ClinVar (database versions not stated): ExAC 0.00009; gnomAD 0.00009 and 0.00011; TOPMed 0.00009; gnomAD exomes 0.00011 and 0.00014; ESP Exome Variant Server 0.00015; 1000 Genomes Project 30x 0.00016; 1000 Genomes Project 0.00020.
gnomAD v4.1: 214 of 1,606,620 alleles (0.013%); highest among the groups gnomAD compares: South Asian, 0.044%; no homozygotes.

Submissions (5):

Labcorp Genetics (formerly Invitae), Labcorp
Classification: Likely benign. Last evaluated: 2025-07-17. Review status: criteria provided, single submitter. Criteria: Invitae Variant Classification Sherloc (09022015). Collection method: clinical testing. Allele origin: germline.

PreventionGenetics, part of Exact Sciences
Classification: Uncertain significance for HEPACAM-related condition. Last evaluated: 2025-03-01. Review status: criteria provided, single submitter. Criteria: ACMG Guidelines, 2015. Collection method: clinical testing. Allele origin: germline.
Comment: The HEPACAM c.139G>A variant is predicted to result in the amino acid substitution p.Val47Met. To our knowledge, this variant has not been reported in the literature. This variant is reported in 0.033% of alleles in individuals of South Asian descent in gnomAD. At this time, the clinical significance of this variant is uncertain due to the absence of conclusive functional and genetic evidence.

Blueprint Genetics
Classification: Uncertain significance. Last evaluated: 2024-02-29. Review status: criteria provided, single submitter. Criteria: ACMG Guidelines, 2015. Collection method: clinical testing. Allele origin: germline.

Ambry Genetics
Classification: Uncertain significance for Inborn genetic diseases. Last evaluated: 2022-04-04. Review status: criteria provided, single submitter. Criteria: Ambry Variant Classification Scheme 2023. Collection method: clinical testing. Allele origin: germline.
Comment: Unlikely to be causative of autosomal dominant megalencephalic leukoencephalopathy with subcortical cysts Based on insufficient or conflicting evidence, the clinical significance of this alteration remains unclear.

Centre for Mendelian Genomics, University Medical Centre Ljubljana
Classification: Uncertain significance for Megalencephalic leukoencephalopathy with subcortical cysts 2A. Last evaluated: 2019-01-11. Review status: criteria provided, single submitter. Criteria: ACMG Guidelines, 2015. Collection method: clinical testing. Allele origin: unknown. Affected: yes.
Comment: This variant was classified as: Uncertain significance. The available evidence favors the pathogenic nature of this variant, however the currently available data is insufficient to conclusively support its pathogenic nature. Thus this variant is classified as Uncertain significance - favor pathogenic. The following ACMG criteria were applied in classifying this variant: PM1,PP3.